The following is an entry in ClinVar:

NM_177438.3(DICER1):c.3773T>C (p.Met1258Thr)

Gene: DICER1 (dicer 1, ribonuclease III; minus strand). Cytogenetic location: 14q32.13.
Variant type: single nucleotide variant.
Coding change: c.3773T>C on transcript NM_177438.3 (MANE Select); coding-DNA position 3773, T replaced by C.
Protein change: p.Met1258Thr; replaces methionine 1258 with threonine.
Molecular consequence: missense variant.
Genome position (GRCh38, 1-based): chr14:95,103,623, A>G on the plus strand (T>C on the coding strand, the complement: DICER1 is on the minus strand). VCF-style: chr14-95103623-A-G. GRCh37 (hg19) VCF-style: chr14-95569960-A-G.
Other names: c.3773T>C, p.Met1258Thr (NM_001195573.1, NM_001271282.3, NM_001291628.2 and 1 more transcripts); short protein forms M1258T.
Identifiers: ClinVar variation 412083 (VCV000412083.21), dbSNP rs144095207, ClinGen allele CA7330994.
Genomic context (GRCh38, chr14:95,103,623, plus strand): 5'-TCAGAATCCATCCTGCCCTTGAGCACTTGAATAGTGTCTGTCGTACCAGGCATTACGGCC[A>G]TCACAGGACTTCCATCTGAGGTAGATTTGTTAGCATTTCCATCAAGGTATTTATTACTCA-3'
Protein context (NP_803187.1, residues 1248-1268): NKSTSDGSPV[Met1258Thr]AVMPGTTDTI

ClinVar aggregate classification (germline): Conflicting classifications of pathogenicity. Review status: criteria provided, conflicting classifications (1 of 4 stars). 7 submissions from 7 submitters: Uncertain significance (3); Likely benign (4). Last evaluated 2026-01-19.

Conditions:
DICER1-related disorder. Also called: DICER1-related condition.
DICER1-related tumor predisposition. Also called: DICER1 syndrome; DICER1-related pleuropulmonary blastoma cancer predisposition syndrome. Identifiers: Orphanet 284343, MedGen C3839822, MONDO:0100216.
Hereditary cancer-predisposing syndrome. Also called: Neoplastic Syndromes, Hereditary; Tumor predisposition; Hereditary Cancer Syndrome; Hereditary neoplastic syndrome. Identifiers: Orphanet 140162, MedGen C0027672, MeSH D009386, MONDO:0015356.

Allele frequency attached by ClinVar (database versions not stated): gnomAD exomes 0.00001 and 0.00003; ExAC 0.00003; gnomAD 0.00010; TOPMed 0.00016; ESP Exome Variant Server 0.00023; 1000 Genomes Project 30x 0.00031; 1000 Genomes Project 0.00040.

Submissions (7):

Labcorp Genetics (formerly Invitae), Labcorp
Classification: Likely benign for DICER1-related tumor predisposition. Last evaluated: 2026-01-19. Review status: criteria provided, single submitter. Criteria: Invitae Variant Classification Sherloc (09022015). Collection method: clinical testing. Allele origin: germline.

PreventionGenetics, part of Exact Sciences
Classification: Likely benign for DICER1-related condition. Last evaluated: 2025-04-10. Review status: criteria provided, single submitter. Criteria: ACMG Guidelines, 2015. Collection method: clinical testing. Allele origin: germline.
Comment: This variant is classified as likely benign based on ACMG/AMP sequence variant interpretation guidelines (Richards et al. 2015 PMID: 25741868, with internal and published modifications).

Center for Genomic Medicine, Rigshospitalet, Copenhagen University Hospital
Classification: Likely benign. Last evaluated: 2025-03-04. Review status: criteria provided, single submitter. Criteria: ACMG Guidelines, 2015. Collection method: clinical testing. Allele origin: germline.

GeneDx
Classification: Uncertain significance. Last evaluated: 2024-09-25. Review status: criteria provided, single submitter. Criteria: GeneDx Variant Classification Process June 2021. Collection method: clinical testing. Allele origin: germline. Affected: yes.
Comment: In silico analysis indicates that this missense variant does not alter protein structure/function; Identified in an individual with breast cancer (PMID: 36315513); This variant is associated with the following publications: (PMID: 36315513)

Blueprint Genetics
Classification: Uncertain significance. Last evaluated: 2024-07-16. Review status: criteria provided, single submitter. Criteria: ACMG Guidelines, 2015. Collection method: clinical testing. Allele origin: germline.

Ambry Genetics
Classification: Likely benign for Hereditary cancer-predisposing syndrome. Last evaluated: 2024-03-12. Review status: criteria provided, single submitter. Criteria: Ambry Variant Classification Scheme 2023. Collection method: clinical testing. Allele origin: germline.

Sema4
Classification: Uncertain significance for Hereditary cancer-predisposing syndrome. Last evaluated: 2021-10-12. Review status: criteria provided, single submitter. Criteria: Sema4 Curation Guidelines. Collection method: curation. Allele origin: germline.
Comment: The DICER1 c.3773T>C (p.M1258T) variant has not been reported in the literature to our knowledge. This variant was observed in 11/24970 chromosomes of the African/African-American subpopulation in the large and broad cohorts of the Genome Aggregation Database (PMID: 32461654). The variant has been reported in ClinVar (Variation ID 412083). In silico tools suggest the impact of the variant on protein function is benign, though these predictions have not been confirmed by functional studies. The evidence is insufficient to meet ACMG/AMP criteria for classifying the variant as benign or pathogenic. Thus, the clinical significance of this variant is currently uncertain.